The following is an entry in ClinVar:

ClinVar aggregate classification (germline): Uncertain significance (1 of 4 stars; one submission).

Conditions:
Fanconi anemia (FA). Also called: Fanconi's anemia. Identifiers: Orphanet 84, MedGen C0015625, MeSH D005199, MONDO:0019391.

gnomAD v4.1: 1 of 1,176,054 alleles (0.000085%); highest among the groups gnomAD compares: Non-Finnish European, 0.00012%; no homozygotes.

Submission:

Labcorp Genetics (formerly Invitae), Labcorp
Classification: Uncertain significance for Fanconi anemia. Last evaluated: 2024-03-06. Review status: criteria provided, single submitter. Criteria: Invitae Variant Classification Sherloc (09022015). Collection method: clinical testing. Allele origin: germline.
Comment: This sequence change replaces tyrosine, which is neutral and polar, with cysteine, which is neutral and slightly polar, at codon 367 of the FANCB protein (p.Tyr367Cys). This variant is not present in population databases (gnomAD no frequency). This variant has not been reported in the literature in individuals affected with FANCB-related conditions. Advanced modeling of protein sequence and biophysical properties (such as structural, functional, and spatial information, amino acid conservation, physicochemical variation, residue mobility, and thermodynamic stability) performed at Invitae indicates that this missense variant is expected to disrupt FANCB protein function with a positive predictive value of 80%. In summary, the available evidence is currently insufficient to determine the role of this variant in disease. Therefore, it has been classified as a Variant of Uncertain Significance.

NM_001018113.3(FANCB):c.1100A>G (p.Tyr367Cys)

Gene: FANCB (FA complementation group B; minus strand). Cytogenetic location: Xp22.2.
Variant type: single nucleotide variant.
Coding change: c.1100A>G on transcript NM_001018113.3 (MANE Select); coding-DNA position 1100, A replaced by G.
Protein change: p.Tyr367Cys; replaces tyrosine 367 with cysteine.
Molecular consequence: missense variant.
Genome position (GRCh38, 1-based): chrX:14,859,186, T>C on the plus strand (A>G on the coding strand, the complement: FANCB is on the minus strand). VCF-style: chrX-14859186-T-C. GRCh37 (hg19) VCF-style: chrX-14877308-T-C.
Other names: c.1100A>G, p.Tyr367Cys (NM_001324162.2, NM_001410764.1, NM_152633.4); short protein forms Y367C.
Identifiers: ClinVar variation 3718482 (VCV003718482.2).
Genomic context (GRCh38, chrX:14,859,186, plus strand): 5'-CTTAAATTTTCTAAAATGGTTCTTAAAATACCATATAATAAGTAAATAGAACTTACCGAA[T>C]AGTTTATTTTTCCAAGATCCGTTATTTTAAATGAAGTCAGGCAGTCTGAGTTCAAGGAGT-3'
Protein context (NP_001018123.1, residues 357-377): FKITDLGKIN[Tyr367Cys]SSEPSDCNED